The following is an entry in ClinVar:

NM_174934.4(SCN4B):c.610A>G (p.Ser204Gly)

Gene: SCN4B (sodium voltage-gated channel beta subunit 4; minus strand). Cytogenetic location: 11q23.3.
Variant type: single nucleotide variant.
Coding change: c.610A>G on transcript NM_174934.4 (MANE Select); coding-DNA position 610, A replaced by G.
Protein change: p.Ser204Gly; replaces serine 204 with glycine.
Molecular consequence: missense variant. On other transcripts: non-coding transcript variant (1).
Genome position (GRCh38, 1-based): chr11:118,137,104, T>C on the plus strand (A>G on the coding strand, the complement: SCN4B is on the minus strand). VCF-style: chr11-118137104-T-C. GRCh37 (hg19) VCF-style: chr11-118007819-T-C.
Other names: c.208A>G, p.Ser70Gly (NM_001142348.2); c.280A>G, p.Ser94Gly (NM_001142349.2); short protein forms S94G, S204G, S70G.
Identifiers: ClinVar variation 2562712 (VCV002562712.2), dbSNP rs1446239928, ClinGen allele CA382776636.
Genomic context (GRCh38, chr11:118,137,104, plus strand): 5'-GTTTCTCCTCTGCCTTGGAGCCAGGCAAGCCGTTCTCCGTGTTGTCATTCCCCGAGGAGC[T>C]CACGAGACACTCCTTCCTGGAGAGGGAGAGAGAAGGGACAGTGGTGAGGAGAGGAGCAAG-3'
Protein context (NP_777594.1, residues 194-214): TREKKKECLV[Ser204Gly]SSGNDNTENG

ClinVar aggregate classification (germline): Uncertain significance (1 of 4 stars; one submission).

Conditions:
Cardiovascular phenotype. Identifiers: MedGen CN230736.

Allele frequency attached by ClinVar (database versions not stated): gnomAD exomes below 0.00001; TOPMed below 0.00001; gnomAD 0.00001.

Submission:

Ambry Genetics
Classification: Uncertain significance for Cardiovascular phenotype. Last evaluated: 2023-04-09. Review status: criteria provided, single submitter. Criteria: Ambry Variant Classification Scheme 2023. Collection method: clinical testing. Allele origin: germline.
Comment: The p.S204G variant (also known as c.610A>G), located in coding exon 5 of the SCN4B gene, results from an A to G substitution at nucleotide position 610. The serine at codon 204 is replaced by glycine, an amino acid with similar properties. This amino acid position is conserved. In addition, the in silico prediction for this alteration is inconclusive. Since supporting evidence is limited at this time, the clinical significance of this alteration remains unclear.